The following is an entry in ClinVar:

NM_005006.7(NDUFS1):c.873-9G>A

Gene: NDUFS1 (NADH:ubiquinone oxidoreductase core subunit S1; minus strand). Cytogenetic location: 2q33.3.
Variant type: single nucleotide variant.
Coding change: c.873-9G>A on transcript NM_005006.7 (MANE Select); 9 bases into the intron before coding-DNA position 873, G replaced by A.
Molecular consequence: intron variant.
Genome position (GRCh38, 1-based): chr2:206,144,141, C>T on the plus strand (G>A on the coding strand, the complement: NDUFS1 is on the minus strand). VCF-style: chr2-206144141-C-T. GRCh37 (hg19) VCF-style: chr2-207008865-C-T.
Other names: c.540-9G>A (NM_001199982.2); c.702-9G>A (NM_001199983.2); c.765-9G>A (NM_001199981.2); c.915-9G>A (NM_001199984.2).
Identifiers: ClinVar variation 389480 (VCV000389480.18), dbSNP rs180899908, ClinGen allele CA2070629.

ClinVar aggregate classification (germline): Likely benign. Review status: criteria provided, multiple submitters, no conflicts (2 of 4 stars). 5 submissions from 5 submitters: Likely benign (3). 2 of the submissions do not count toward it. Last evaluated 2025-11-15.

Conditions:
NDUFS1-related disorder. Also called: NDUFS1-related condition.

Allele frequency attached by ClinVar (database versions not stated): gnomAD exomes 0.00004 and 0.00009; ExAC 0.00008; ESP Exome Variant Server 0.00031; gnomAD 0.00044 and 0.00048; TOPMed 0.00050; 1000 Genomes Project 30x 0.00078; 1000 Genomes Project 0.00080.
gnomAD v4.1: 123 of 1,575,486 alleles (0.0078%); highest among the groups gnomAD compares: African/African-American, 0.15%; no homozygotes.

Submissions (5):

Labcorp Genetics (formerly Invitae), Labcorp
Classification: Likely benign. Last evaluated: 2025-11-15. Review status: criteria provided, single submitter. Criteria: Invitae Variant Classification Sherloc (09022015). Collection method: clinical testing. Allele origin: germline.

Blueprint Genetics
Classification: Likely benign. Last evaluated: 2022-03-16. Review status: criteria provided, single submitter. Criteria: ACMG Guidelines, 2015. Collection method: clinical testing. Allele origin: germline.

GeneDx
Classification: Likely benign. Last evaluated: 2019-02-25. Review status: criteria provided, single submitter. Criteria: GeneDx Variant Classification Process June 2021. Collection method: clinical testing. Allele origin: germline. Affected: yes.

PreventionGenetics, part of Exact Sciences
Classification: Likely benign for NDUFS1-related condition. Last evaluated: 2019-06-17. Review status: no assertion criteria provided. Collection method: clinical testing. Allele origin: germline. Not counted in ClinVar's aggregate classification.
Comment: This variant is classified as likely benign based on ACMG/AMP sequence variant interpretation guidelines (Richards et al. 2015 PMID: 25741868, with internal and published modifications).

Mayo Clinic Laboratories, Mayo Clinic
Classification: Likely benign. Last evaluated: 2017-09-18. Review status: no assertion criteria provided. Collection method: clinical testing. Allele origin: unknown. Not counted in ClinVar's aggregate classification.